The following is an entry in ClinVar:

ClinVar aggregate classification (germline): Benign. Review status: criteria provided, single submitter (1 of 4 stars). 2 submissions from 2 submitters: Benign (1). 1 of the submissions does not count toward it. Last evaluated 2025-04-08.

Conditions:
KRT16-related disorder. Also called: KRT16-related condition.

Allele frequency attached by ClinVar (database versions not stated): 1000 Genomes Project 0.00040; ExAC 0.00030; 1000 Genomes Project 30x 0.00047; ESP Exome Variant Server 0.00185.
gnomAD v4.1: 314 of 1,613,754 alleles (0.019%); highest among the groups gnomAD compares: African/African-American, 0.34%; no homozygotes.

Submissions (2):

Labcorp Genetics (formerly Invitae), Labcorp
Classification: Benign. Last evaluated: 2025-04-08. Review status: criteria provided, single submitter. Criteria: Invitae Variant Classification Sherloc (09022015). Collection method: clinical testing. Allele origin: germline.

PreventionGenetics, part of Exact Sciences
Classification: Likely benign for KRT16-related condition. Last evaluated: 2019-06-05. Review status: no assertion criteria provided. Collection method: clinical testing. Allele origin: germline. Not counted in ClinVar's aggregate classification.
Comment: This variant is classified as likely benign based on ACMG/AMP sequence variant interpretation guidelines (Richards et al. 2015 PMID: 25741868, with internal and published modifications).

NM_005557.4(KRT16):c.444G>A (p.Lys148=)

Gene: KRT16 (keratin 16; minus strand). Cytogenetic location: 17q21.2.
Variant type: single nucleotide variant.
Coding change: c.444G>A on transcript NM_005557.4 (MANE Select); coding-DNA position 444, G replaced by A.
Protein change: p.Lys148=; no amino-acid change (lysine 148 retained).
Molecular consequence: synonymous variant.
Genome position (GRCh38, 1-based): chr17:41,612,245, C>T on the plus strand (G>A on the coding strand, the complement: KRT16 is on the minus strand). VCF-style: chr17-41612245-C-T. GRCh37 (hg19) VCF-style: chr17-39768497-C-T.
Other names: c.444G>A (NM_005557.3).
Identifiers: ClinVar variation 2730335 (VCV002730335.5), dbSNP rs149934946, ClinGen allele CA8563269.